The following is an entry in ClinVar:

NM_004370.6(COL12A1):c.6724+1G>C

Gene: COL12A1 (collagen type XII alpha 1 chain; minus strand). Cytogenetic location: 6q13.
Variant type: single nucleotide variant.
Coding change: c.6724+1G>C on transcript NM_004370.6 (MANE Select); the canonical splice donor site of the intron after coding-DNA position 6724, G replaced by C.
Molecular consequence: splice donor variant.
Genome position (GRCh38, 1-based): chr6:75,124,254, C>G on the plus strand (G>C on the coding strand, the complement: COL12A1 is on the minus strand). VCF-style: chr6-75124254-C-G. GRCh37 (hg19) VCF-style: chr6-75833970-C-G.
Other names: c.3232+1G>C (NM_001424116.1, NM_080645.3); c.6451+1G>C (NM_001424115.1); c.6703+1G>C (NM_001424114.1); c.6724+1G>C (NM_001424113.1).
Identifiers: ClinVar variation 2947210 (VCV002947210.3), dbSNP rs2533231035, ClinGen allele CA364728788.
Genomic context (GRCh38, chr6:75,124,254, plus strand): 5'-TGAAATTTAAAATGTTTCCACTACATGCTCCAGATCATTTTTTTCTTTTTTACACACATA[C>G]CATCTGCAGGGCTTAGTTTTAGCCTGTAGGAGGTGGCTGCCCGGTGAGGTGACCATTTGA-3'

ClinVar aggregate classification (germline): Likely pathogenic (1 of 4 stars; one submission).

Conditions:
Ullrich congenital muscular dystrophy 2 (UCMD2). Identifiers: Orphanet 75840, MedGen C4225314, MONDO:0014654, OMIM 616470.
Bethlem myopathy 2 (BTHLM2). Identifiers: Orphanet 536516, Orphanet 610, MedGen C4225313, MONDO:0034022, OMIM 616471.

Submission:

Labcorp Genetics (formerly Invitae), Labcorp
Classification: Likely pathogenic for Bethlem myopathy 2; Ullrich congenital muscular dystrophy 2. Last evaluated: 2025-06-24. Review status: criteria provided, single submitter. Criteria: Invitae Variant Classification Sherloc (09022015). Collection method: clinical testing. Allele origin: germline.
Comment: This sequence change affects a donor splice site in intron 41 of the COL12A1 gene. It is expected to disrupt RNA splicing. Variants that disrupt the donor or acceptor splice site typically lead to a loss of protein function (PMID: 16199547), and loss-of-function variants in COL12A1 are known to be pathogenic (PMID: 24334604, 28973083). This variant is not present in population databases (gnomAD no frequency). Disruption of this splice site has been observed in individual(s) with joint hypermobility (PMID: 37079061). ClinVar contains an entry for this variant (Variation ID: 2947210). Algorithms developed to predict the effect of sequence changes on RNA splicing suggest that this variant may disrupt the consensus splice site. In summary, the currently available evidence indicates that the variant is pathogenic, but additional data are needed to prove that conclusively. Therefore, this variant has been classified as Likely Pathogenic.

Literature cited by the submitters: PubMed 16199547; PubMed 24334604; PubMed 28973083; PubMed 37079061.